The following is an entry in ClinVar:

NM_033198.4(PIGS):c.307C>T (p.Arg103Cys)

Gene: PIGS (phosphatidylinositol glycan anchor biosynthesis class S; minus strand). Cytogenetic location: 17q11.2.
Variant type: single nucleotide variant.
Coding change: c.307C>T on transcript NM_033198.4 (MANE Select); coding-DNA position 307, C replaced by T.
Protein change: p.Arg103Cys; replaces arginine 103 with cysteine.
Molecular consequence: missense variant.
Genome position (GRCh38, 1-based): chr17:28,563,887, G>A on the plus strand (C>T on the coding strand, the complement: PIGS is on the minus strand). VCF-style: chr17-28563887-G-A. GRCh37 (hg19) VCF-style: chr17-26890905-G-A.
Other names: short protein forms R103C.
Identifiers: ClinVar variation 5009388 (VCV005009388.1).
Genomic context (GRCh38, chr17:28,563,887, plus strand): 5'-TGCCCGATGACAGGGCCTCCTCCTCATGGTCCAAAGCCCTCCGATAGGCCTTCTGGAAAC[G>A]GCATTTGATTTTCATTTTGTCTGGGAGGGATAAGAAGTAGCACAATGAAAAGGGCAAGCA-3'
Protein context (NP_149975.1, residues 93-113): PLKYKMKIKC[Arg103Cys]FQKAYRRALD

ClinVar aggregate classification (germline): Uncertain significance (1 of 4 stars; one submission).

gnomAD v4.1: 35 of 1,613,860 alleles (0.0022%); highest among the groups gnomAD compares: Non-Finnish European, 0.0024%; no homozygotes.

Submission:

GeneDx
Classification: Uncertain significance. Last evaluated: 2026-03-17. Review status: criteria provided, single submitter. Criteria: GeneDx Variant Classification Process June 2021. Collection method: clinical testing. Allele origin: germline.
Comment: In silico analysis suggests that this missense variant does not alter protein structure/function; Has not been previously published as pathogenic or benign to our knowledge